The following is an entry in ClinVar:

NM_000135.4(FANCA):c.2993dup (p.Tyr998Ter)

Gene: FANCA (FA complementation group A; minus strand). Cytogenetic location: 16q24.3.
Variant type: Duplication.
Coding change: c.2993dup on transcript NM_000135.4 (MANE Select); coding-DNA position 2993, one base duplicated (A; older notation c.2993dupA).
Protein change: p.Tyr998Ter; replaces tyrosine 998 with a stop codon.
Molecular consequence: nonsense.
Genome position (GRCh38, 1-based): chr16:89,752,211, T duplicated on the plus strand (A on the coding strand, the reverse complement: FANCA is on the minus strand). VCF-style (leftmost placement, unchanged base first): chr16-89752210-A-AT. GRCh37 (hg19) VCF-style: chr16-89818618-A-AT.
Other names: c.2993dup, p.Tyr998Ter (NM_001286167.3); short protein forms Y998*.
Identifiers: ClinVar variation 2627971 (VCV002627971.1), dbSNP rs2544138264, ClinGen allele CA2586963949.

ClinVar aggregate classification (germline): Likely pathogenic (1 of 4 stars; one submission).

Conditions:
Fanconi anemia complementation group A (FANCA). Also called: Fanconi anemia, group A; FANCA-Related Fanconi Anemia. Identifiers: Orphanet 84, MedGen C3469521, MONDO:0009215, OMIM 227650.

Submission:

Neuberg Centre For Genomic Medicine, NCGM
Classification: Likely pathogenic for Fanconi anemia complementation group A. Review status: criteria provided, single submitter. Criteria: ACMG Guidelines, 2015. Collection method: clinical testing. Allele origin: germline. Inheritance: Autosomal recessive inheritance. Affected: yes.
Comment: The stop gained variant c.2993dup (p.Tyr998Ter) in FANCA gene has not been reported previously as a pathogenic variant nor as a benign variant, to our knowledge. The variant is novel (not in any individuals) in gnomAD Exomes and 1000 Genomes. This variant is predicted to cause loss of normal protein function through protein truncation. Loss of function variants have been previously reported to be disease causing. For these reasons, this variant has been classified as Likely Pathogenic.